The following is an entry in ClinVar:

ClinVar aggregate classification (germline): Conflicting classifications of pathogenicity. Review status: criteria provided, conflicting classifications (1 of 4 stars). 10 submissions from 10 submitters: Pathogenic (1); Likely pathogenic (6); Uncertain significance (2). 1 of the submissions does not count toward it. Last evaluated 2026-04-30.

Conditions:
Pyruvate carboxylase deficiency. Also called: Pyruvate Carboxylase Deficiency Disease; ATAXIA WITH LACTIC ACIDOSIS II; LEIGH NECROTIZING ENCEPHALOPATHY DUE TO PYRUVATE CARBOXYLASE DEFICIENCY; LEIGH SYNDROME DUE TO PYRUVATE CARBOXYLASE DEFICIENCY; PC DEFICIENCY. Identifiers: Orphanet 3008, MedGen C0034341, MONDO:0009949, OMIM 266150.

Allele frequency attached by ClinVar (database versions not stated): gnomAD exomes 0.00001.
gnomAD v4.1: 11 of 1,613,776 alleles (0.00068%); highest among the groups gnomAD compares: South Asian, 0.0011%; no homozygotes.

Submissions (10):

Myriad Genetics, Inc.
Classification: Likely pathogenic for Pyruvate carboxylase deficiency. Last evaluated: 2026-04-30. Review status: criteria provided, single submitter. Criteria: Myriad Autosomal Dominant, Autosomal Recessive and X-Linked Classification Criteria (2023). Collection method: clinical testing. Allele origin: unknown.
Comment: NM_000920.3(PC):c.806G>A(R269Q) is a missense variant classified as likely pathogenic in the context of pyruvate carboxylase deficiency. R269Q has been observed in cases with relevant disease (PMID: 18676167, 37207470, Bayat_2021_(Article)). Relevant functional assessments of this variant are not available in the literature. R269Q has been observed in referenced population frequency databases. In summary, NM_000920.3(PC):c.806G>A(R269Q) is a missense variant that has been observed more frequently in cases with the relevant disease than in healthy populations. Please note: this variant was assessed in the context of healthy population screening.

3billion
Classification: Likely pathogenic for Pyruvate carboxylase deficiency. Last evaluated: 2025-07-24. Review status: criteria provided, single submitter. Criteria: ACMG Guidelines, 2015. Collection method: clinical testing. Allele origin: germline. Affected: yes.
Comment: The variant is observed at an extremely low frequency in the gnomAD v4.1.0 dataset (total allele frequency: <0.001%). Predicted Consequence/Location: Missense variant. The majority of the known disease-causing variants of this gene are variants expected to result in premature termination of the protein. In silico tool predictions suggest damaging effect of the variant on gene or gene product [REVEL: 0.95 (>=0.6, sensitivity 0.68 and specificity 0.92); 3Cnet: 0.62 (> 0.75, sensitivity 0.96 and precision 0.92)]. The same nucleotide change resulting in the same amino acid change has been previously reported to be associated with PC-related disorder (ClinVar ID: VCV000550614 /PMID: 18676167).The variant has been reported to be in trans with a pathogenic variant as either compound heterozygous or homozygous in at least one similarly affected unrelated individual (PMID: 18676167, 37207470). Therefore, this variant is classified as Likely pathogenic according to the recommendation of ACMG/AMP guideline.

Women's Health and Genetics/Laboratory Corporation of America, LabCorp
Classification: Pathogenic for Pyruvate carboxylase deficiency. Last evaluated: 2025-02-28. Review status: criteria provided, single submitter. Criteria: LabCorp Variant Classification Summary - May 2015. Collection method: clinical testing. Allele origin: germline.
Comment: Variant summary: PC c.806G>A (p.Arg269Gln) results in a conservative amino acid change in the encoded protein sequence. Four of five in-silico tools predict a damaging effect of the variant on protein function. The variant allele was found at a frequency of 8e-06 in 250722 control chromosomes. c.806G>A has been reported in the literature in bi-allelic individuals affected with Pyruvate Carboxylase Deficiency Type A and B, with PC activity in cultured skin fibroblasts below reference range (examples: Wang_2008 and Lasio_2023). These data indicate that the variant is likely to be associated with disease. The following publications have been ascertained in the context of this evaluation (PMID: 18676167, 37207470). ClinVar contains an entry for this variant (Variation ID: 550614). Based on the evidence outlined above, the variant was classified as pathogenic.

GeneDx
Classification: Likely pathogenic. Last evaluated: 2024-10-25. Review status: criteria provided, single submitter. Criteria: GeneDx Variant Classification Process June 2021. Collection method: clinical testing. Allele origin: germline. Affected: yes.
Comment: In silico analysis supports that this missense variant has a deleterious effect on protein structure/function; Not observed at significant frequency in large population cohorts (gnomAD); This variant is associated with the following publications: (PMID: 18676167, Bayat2021[CaseReport], 37207470)

Baylor Genetics
Classification: Likely pathogenic for Pyruvate carboxylase deficiency. Last evaluated: 2024-03-07. Review status: criteria provided, single submitter. Criteria: ACMG Guidelines, 2015. Collection method: clinical testing. Allele origin: unknown.

Labcorp Genetics (formerly Invitae), Labcorp
Classification: Uncertain significance for Pyruvate carboxylase deficiency. Last evaluated: 2024-01-23. Review status: criteria provided, single submitter. Criteria: Invitae Variant Classification Sherloc (09022015). Collection method: clinical testing. Allele origin: germline.
Comment: This sequence change replaces arginine, which is basic and polar, with glutamine, which is neutral and polar, at codon 269 of the PC protein (p.Arg269Gln). This variant is present in population databases (no rsID available, gnomAD 0.002%). This missense change has been observed in individual(s) with pyruvate carboxylase deficiency (PMID: 18676167). ClinVar contains an entry for this variant (Variation ID: 550614). Advanced modeling of protein sequence and biophysical properties (such as structural, functional, and spatial information, amino acid conservation, physicochemical variation, residue mobility, and thermodynamic stability) has been performed at Invitae for this missense variant, however the output from this modeling did not meet the statistical confidence thresholds required to predict the impact of this variant on PC protein function. In summary, the available evidence is currently insufficient to determine the role of this variant in disease. Therefore, it has been classified as a Variant of Uncertain Significance.

Blueprint Genetics
Classification: Uncertain significance. Last evaluated: 2022-08-11. Review status: criteria provided, single submitter. Criteria: ACMG Guidelines, 2015. Collection method: clinical testing. Allele origin: germline.

Neuberg Centre For Genomic Medicine, NCGM
Classification: Likely pathogenic for Pyruvate carboxylase deficiency. Review status: criteria provided, single submitter. Criteria: ACMG Guidelines, 2015. Collection method: clinical testing. Allele origin: germline. Inheritance: Autosomal recessive inheritance. Affected: yes.
Comment: The observed missense c.806G>A(p.Arg269Gln) variant in PC gene has been reported previously in homozygous state in individuals affected with pyruvate carboxylase deficiency (Wang D, et al., 2008; Bayat R, et al., 2021). The p.Arg269Gln variant has been reported with allele frequency of 0.0008% in gnomAD Exomes. This variant has been submitted to the ClinVar database as Uncertain Significance / Likely Pathogenic. The amino acid change p.Arg269Gln in PC is predicted as conserved by GERP++ and PhyloP across 100 vertebrates. The amino acid Arg at position 269 is changed to a Gln changing protein sequence and it might alter its composition and physico-chemical properties. However, additional functional studies will be required to prove the pathogenicity of this variant. For these reasons, this variant has been classified as Likely Pathogenic.

Pathology and Clinical Laboratory Medicine, King Fahad Medical City
Classification: Likely pathogenic for Pyruvate carboxylase deficiency. Review status: criteria provided, single submitter. Criteria: ACMG Guidelines, 2015. Collection method: clinical testing. Allele origin: germline. Affected: yes. Observed: 2 variant alleles.

Counsyl
Classification: Uncertain significance for Pyruvate carboxylase deficiency. Last evaluated: 2017-02-03. Review status: no assertion criteria provided. Collection method: clinical testing. Allele origin: unknown. Not counted in ClinVar's aggregate classification.

Literature cited by the submitters: PubMed 18676167 (cited by 4 submitters); PubMed 37207470 (cited by 3billion and Women's Health and Genetics/Laboratory Corporation of America, LabCorp).

NM_001040716.2(PC):c.806G>A (p.Arg269Gln)

Gene: PC (pyruvate carboxylase; minus strand). Cytogenetic location: 11q13.2.
Variant type: single nucleotide variant.
Coding change: c.806G>A on transcript NM_001040716.2 (MANE Select); coding-DNA position 806, G replaced by A.
Protein change: p.Arg269Gln; replaces arginine 269 with glutamine.
Molecular consequence: missense variant.
Genome position (GRCh38, 1-based): chr11:66,870,399, C>T on the plus strand (G>A on the coding strand, the complement: PC is on the minus strand). VCF-style: chr11-66870399-C-T. GRCh37 (hg19) VCF-style: chr11-66637870-C-T.
Other names: c.806G>A, p.Arg269Gln (NM_000920.4, NM_022172.3); c.806G>A (NM_000920.3); short protein forms R269Q.
Identifiers: ClinVar variation 550614 (VCV000550614.17), dbSNP rs1349343839, ClinGen allele CA381501381.